The following is an entry in ClinVar:

ClinVar aggregate classification (germline): Uncertain significance (1 of 4 stars; one submission).

Submission:

GeneDx
Classification: Uncertain significance. Last evaluated: 2025-05-20. Review status: criteria provided, single submitter. Criteria: GeneDx Variant Classification Process June 2021. Collection method: clinical testing. Allele origin: germline. Affected: yes.
Comment: Not observed at significant frequency in large population cohorts (gnomAD); In silico analysis supports that this missense variant has a deleterious effect on protein structure/function; Has not been previously published as pathogenic or benign to our knowledge

NM_006579.3(EBP):c.538G>C (p.Gly180Arg)

Gene: EBP (EBP cholestenol delta-isomerase; plus strand). Cytogenetic location: Xp11.23.
Variant type: single nucleotide variant.
Coding change: c.538G>C on transcript NM_006579.3 (MANE Select); coding-DNA position 538, G replaced by C.
Protein change: p.Gly180Arg; replaces glycine 180 with arginine.
Molecular consequence: missense variant.
Genome position (GRCh38, 1-based): chrX:48,528,302, G>C. VCF-style: chrX-48528302-G-C. GRCh37 (hg19) VCF-style: chrX-48386690-G-C.
Other names: short protein forms G180R.
Identifiers: ClinVar variation 4530801 (VCV004530801.1).